The following is an entry in ClinVar:

ClinVar aggregate classification (germline): Benign/Likely benign. Review status: criteria provided, multiple submitters, no conflicts (2 of 4 stars). 5 submissions from 5 submitters: Benign (3); Likely benign (2). Last evaluated 2025-12-30.

Conditions:
RASopathy. Also called: Noonan spectrum disorder; rasopathies. Identifiers: Orphanet 536391, MedGen C5555857, MONDO:0021060.

Allele frequency attached by ClinVar (database versions not stated): ESP Exome Variant Server 0.00008; gnomAD 0.00014 and 0.00022; 1000 Genomes Project 30x 0.00016; gnomAD exomes 0.00019 and 0.00055; 1000 Genomes Project 0.00020; TOPMed 0.00025; ExAC 0.00067.
gnomAD v4.1: 308 of 1,573,860 alleles (0.02%); highest among the groups gnomAD compares: South Asian, 0.19%; no homozygotes.

Submissions (5):

Labcorp Genetics (formerly Invitae), Labcorp
Classification: Benign for RASopathy. Last evaluated: 2025-12-30. Review status: criteria provided, single submitter. Criteria: Invitae Variant Classification Sherloc (09022015). Collection method: clinical testing. Allele origin: germline.

Blueprint Genetics
Classification: Likely benign. Last evaluated: 2024-11-18. Review status: criteria provided, single submitter. Criteria: ACMG Guidelines, 2015. Collection method: clinical testing. Allele origin: germline.

Women's Health and Genetics/Laboratory Corporation of America, LabCorp
Classification: Benign. Last evaluated: 2023-09-25. Review status: criteria provided, single submitter. Criteria: LabCorp Variant Classification Summary - May 2015. Collection method: clinical testing. Allele origin: germline.

Laboratory for Molecular Medicine, Mass General Brigham Personalized Medicine
Classification: Likely benign. Last evaluated: 2015-01-16. Review status: criteria provided, single submitter. Criteria: LMM Criteria. Collection method: clinical testing. Allele origin: germline. Observed: 1 variant allele.
Comment: c.529-12G>A in intron 4 of MAP2K2: This variant is not expected to have clinical significance because it has been identified in 0.2% (16/8642) of South Asian ch romosomes and 0.25% (3/1192) of Latino chromosomes by the Exome Aggregation Cons ortium (ExAC; dbSNP rs375701469). This variant i s located in the 3' splice region and computational tools do not suggest an impa ct to splicing.

GeneDx
Classification: Benign. Last evaluated: 2013-09-08. Review status: criteria provided, single submitter. Criteria: GeneDx Variant Classification (06012015). Collection method: clinical testing. Allele origin: germline. Affected: yes.
Comment: This variant is considered likely benign or benign based on one or more of the following criteria: it is a conservative change, it occurs at a poorly conserved position in the protein, it is predicted to be benign by multiple in silico algorithms, and/or has population frequency not consistent with disease.

NM_030662.4(MAP2K2):c.529-12G>A

Gene: MAP2K2 (mitogen-activated protein kinase kinase 2; minus strand). Cytogenetic location: 19p13.3.
Variant type: single nucleotide variant.
Coding change: c.529-12G>A on transcript NM_030662.4 (MANE Select); 12 bases into the intron before coding-DNA position 529, G replaced by A.
Molecular consequence: intron variant.
Genome position (GRCh38, 1-based): chr19:4,101,292, C>T on the plus strand (G>A on the coding strand, the complement: MAP2K2 is on the minus strand). VCF-style: chr19-4101292-C-T. GRCh37 (hg19) VCF-style: chr19-4101290-C-T.
Identifiers: ClinVar variation 138157 (VCV000138157.13), dbSNP rs375701469, ClinGen allele CA291992.
Genomic context (GRCh38, chr19:4,101,292, plus strand): 5'-GGTGCATGATCTGGTGCTTCTCTCGGAGGTACGCCAAGCCCCGGAGAACCTGCAGGGGAG[C>T]GCGGAGGGAGTCACGGGACAAGGCCACCAGGGCTTAGCTCCTGACCGAGCCCGGGGGTCA-3'